The following is an entry in ClinVar:

ClinVar aggregate classification (germline): Uncertain significance. Review status: criteria provided, multiple submitters, no conflicts (2 of 4 stars). 2 submissions from 2 submitters: Uncertain significance (2). Last evaluated 2025-02-13.

Conditions:
Cornelia de Lange syndrome 4 (CDLS4). Also called: RAD21-Related Cornelia de Lange Syndrome; CORNELIA DE LANGE SYNDROME 4 WITH OR WITHOUT MIDLINE BRAIN DEFECTS. Identifiers: Orphanet 199, MedGen C3553517, MONDO:0013864, OMIM 614701.
Inborn genetic diseases. Identifiers: MedGen C0950123, MeSH D030342.

Submissions (2):

Ambry Genetics
Classification: Uncertain significance for Inborn genetic diseases. Last evaluated: 2025-02-13. Review status: criteria provided, single submitter. Criteria: Ambry Variant Classification Scheme 2023. Collection method: clinical testing. Allele origin: germline.

Labcorp Genetics (formerly Invitae), Labcorp
Classification: Uncertain significance for Cornelia de Lange syndrome 4. Last evaluated: 2024-02-17. Review status: criteria provided, single submitter. Criteria: Invitae Variant Classification Sherloc (09022015). Collection method: clinical testing. Allele origin: germline.
Comment: This sequence change replaces valine, which is neutral and non-polar, with isoleucine, which is neutral and non-polar, at codon 270 of the RAD21 protein (p.Val270Ile). The frequency data for this variant in the population databases is considered unreliable, as metrics indicate poor data quality at this position in the gnomAD database. This variant has not been reported in the literature in individuals affected with RAD21-related conditions. Advanced modeling of protein sequence and biophysical properties (such as structural, functional, and spatial information, amino acid conservation, physicochemical variation, residue mobility, and thermodynamic stability) performed at Invitae indicates that this missense variant is not expected to disrupt RAD21 protein function with a negative predictive value of 80%. In summary, the available evidence is currently insufficient to determine the role of this variant in disease. Therefore, it has been classified as a Variant of Uncertain Significance.

NM_006265.3(RAD21):c.808G>A (p.Val270Ile)

Gene: RAD21 (RAD21 cohesin complex component; minus strand). Cytogenetic location: 8q24.11.
Variant type: single nucleotide variant.
Coding change: c.808G>A on transcript NM_006265.3 (MANE Select); coding-DNA position 808, G replaced by A.
Protein change: p.Val270Ile; replaces valine 270 with isoleucine.
Molecular consequence: missense variant.
Genome position (GRCh38, 1-based): chr8:116,856,652, C>T on the plus strand (G>A on the coding strand, the complement: RAD21 is on the minus strand). VCF-style: chr8-116856652-C-T. GRCh37 (hg19) VCF-style: chr8-117868891-C-T.
Other names: short protein forms V270I.
Identifiers: ClinVar variation 3696857 (VCV003696857.3).